The following is an entry in ClinVar:

NM_006734.4(HIVEP2):c.2476A>T (p.Thr826Ser)

Gene: HIVEP2 (HIVEP zinc finger 2; minus strand). Cytogenetic location: 6q24.2.
Variant type: single nucleotide variant.
Coding change: c.2476A>T on transcript NM_006734.4 (MANE Select); coding-DNA position 2476, A replaced by T.
Protein change: p.Thr826Ser; replaces threonine 826 with serine.
Molecular consequence: missense variant.
Genome position (GRCh38, 1-based): chr6:142,772,263, T>A on the plus strand (A>T on the coding strand, the complement: HIVEP2 is on the minus strand). VCF-style: chr6-142772263-T-A. GRCh37 (hg19) VCF-style: chr6-143093400-T-A.
Other names: c.2476A>T, p.Thr826Ser (NM_001438449.1, NM_001438450.1, NM_001438451.1); short protein forms T826S.
Identifiers: ClinVar variation 4874845 (VCV004874845.2).

ClinVar aggregate classification (germline): Uncertain significance (1 of 4 stars; one submission).

Submission:

CeGaT Center for Human Genetics Tuebingen
Classification: Uncertain significance. Last evaluated: 2026-05-01. Review status: criteria provided, single submitter. Criteria: CeGaT Center For Human Genetics Tuebingen Variant Classification Criteria Version 2. Collection method: clinical testing. Allele origin: germline. Affected: yes. Observed: 1 variant allele.
Comment: HIVEP2: PM2, BP4